The following is an entry in ClinVar:

ClinVar aggregate classification (germline): Likely benign (1 of 4 stars; one submission).

Allele frequency attached by ClinVar (database versions not stated): gnomAD exomes below 0.00001; TOPMed below 0.00001; ExAC 0.00002; gnomAD 0.00002; ESP Exome Variant Server 0.00015.
gnomAD v4.1: 6 of 1,614,100 alleles (0.00037%); highest among the groups gnomAD compares: Non-Finnish European, 0.00051%; no homozygotes.

Submission:

CeGaT Center for Human Genetics Tuebingen
Classification: Likely benign. Last evaluated: 2022-12-01. Review status: criteria provided, single submitter. Criteria: CeGaT Center For Human Genetics Tuebingen Variant Classification Criteria Version 2. Collection method: clinical testing. Allele origin: germline. Affected: yes. Observed: 1 variant allele.
Comment: SPEN: BP4, BP7

NM_015001.3(SPEN):c.2715T>C (p.Asn905=)

Gene: SPEN (spen family transcriptional repressor; plus strand). Cytogenetic location: 1p36.13.
Variant type: single nucleotide variant.
Coding change: c.2715T>C on transcript NM_015001.3 (MANE Select); coding-DNA position 2715, T replaced by C.
Protein change: p.Asn905=; no amino-acid change (asparagine 905 retained).
Molecular consequence: synonymous variant.
Genome position (GRCh38, 1-based): chr1:15,928,955, T>C. VCF-style: chr1-15928955-T-C. GRCh37 (hg19) VCF-style: chr1-16255450-T-C.
Identifiers: ClinVar variation 2638309 (VCV002638309.24), dbSNP rs138635470, ClinGen allele CA619330.
Genomic context (GRCh38, chr1:15,928,955, plus strand): 5'-GAAAGAGGGAAAGGTCATTGACCACACTCCTGTGGAAAAGTTGAAAGCCAAGCTTGATAA[T>C]GACACTGTCAAATCTTCTGCCCTGGACCAGAAACTTCAGGTCTCTCAGACGGAGCCTGCA-3'
Protein context (NP_055816.2, residues 895-915): PVEKLKAKLD[Asn905=]DTVKSSALDQ